The following is an entry in ClinVar:

NM_206933.4(USH2A):c.8029A>G (p.Arg2677Gly)

Gene: USH2A (usherin; minus strand). Cytogenetic location: 1q41.
Variant type: single nucleotide variant.
Coding change: c.8029A>G on transcript NM_206933.4 (MANE Select); coding-DNA position 8029, A replaced by G.
Protein change: p.Arg2677Gly; replaces arginine 2677 with glycine.
Molecular consequence: missense variant.
Genome position (GRCh38, 1-based): chr1:215,888,620, T>C on the plus strand (A>G on the coding strand, the complement: USH2A is on the minus strand). VCF-style: chr1-215888620-T-C. GRCh37 (hg19) VCF-style: chr1-216061962-T-C.
Other names: short protein forms R2677G.
Identifiers: ClinVar variation 2693984 (VCV002693984.3), dbSNP rs1665128132, ClinGen allele CA344839181.

ClinVar aggregate classification (germline): Uncertain significance (1 of 4 stars; one submission).

Allele frequency attached by ClinVar (database versions not stated): TOPMed below 0.00001.

Submission:

Labcorp Genetics (formerly Invitae), Labcorp
Classification: Uncertain significance. Last evaluated: 2024-04-10. Review status: criteria provided, single submitter. Criteria: Invitae Variant Classification Sherloc (09022015). Collection method: clinical testing. Allele origin: germline.
Comment: This sequence change replaces arginine, which is basic and polar, with glycine, which is neutral and non-polar, at codon 2677 of the USH2A protein (p.Arg2677Gly). This variant is not present in population databases (gnomAD no frequency). This variant has not been reported in the literature in individuals affected with USH2A-related conditions. Advanced modeling of protein sequence and biophysical properties (such as structural, functional, and spatial information, amino acid conservation, physicochemical variation, residue mobility, and thermodynamic stability) performed at Invitae indicates that this missense variant is not expected to disrupt USH2A protein function with a negative predictive value of 95%. In summary, the available evidence is currently insufficient to determine the role of this variant in disease. Therefore, it has been classified as a Variant of Uncertain Significance.